The following is an entry in ClinVar:

ClinVar aggregate classification (germline): Likely benign. Review status: criteria provided, multiple submitters, no conflicts (2 of 4 stars). 3 submissions from 3 submitters: Likely benign (3). Last evaluated 2025-11-25.

Conditions:
Cardiovascular phenotype. Identifiers: MedGen CN230736.
Dilated cardiomyopathy 1W (CMD1W). Identifiers: Orphanet 154, MedGen C1969639, MONDO:0012667, OMIM 611407.

Allele frequency attached by ClinVar (database versions not stated): gnomAD exomes below 0.00001.
gnomAD v4.1: 1 of 1,614,208 alleles (0.000062%); highest among the groups gnomAD compares: Non-Finnish European, 0.000085%; no homozygotes.

Submissions (3):

Labcorp Genetics (formerly Invitae), Labcorp
Classification: Likely benign for Dilated cardiomyopathy 1W. Last evaluated: 2025-11-25. Review status: criteria provided, single submitter. Criteria: Invitae Variant Classification Sherloc (09022015). Collection method: clinical testing. Allele origin: germline.

Ambry Genetics
Classification: Likely benign for Cardiovascular phenotype. Last evaluated: 2024-07-11. Review status: criteria provided, single submitter. Criteria: Ambry Variant Classification Scheme 2023. Collection method: clinical testing. Allele origin: germline.

Laboratory for Molecular Medicine, Mass General Brigham Personalized Medicine
Classification: Likely benign. Last evaluated: 2012-07-30. Review status: criteria provided, single submitter. Criteria: LMM Criteria. Collection method: clinical testing. Allele origin: germline. Observed: 1 variant allele.
Comment: Pro425Pro in exon 10 of VCL: This variant is not expected to have clinical signi ficance because it does not alter an amino acid residue and is not located withi n the splice consensus sequence. Pro425Pro in exon 10 of VCL (allele frequency = n/a)

NM_014000.3(VCL):c.1275T>C (p.Pro425=)

Gene: VCL (vinculin; plus strand). Cytogenetic location: 10q22.2.
Variant type: single nucleotide variant.
Coding change: c.1275T>C on transcript NM_014000.3 (MANE Select); coding-DNA position 1275, T replaced by C.
Protein change: p.Pro425=; no amino-acid change (proline 425 retained).
Molecular consequence: synonymous variant.
Genome position (GRCh38, 1-based): chr10:74,090,121, T>C. VCF-style: chr10-74090121-T-C. GRCh37 (hg19) VCF-style: chr10-75849879-T-C.
Other names: c.1275T>C, p.Pro425= (NM_003373.4).
Identifiers: ClinVar variation 45576 (VCV000045576.7), dbSNP rs397517233, ClinGen allele CA136685.